The following is an entry in ClinVar:

ClinVar aggregate classification (germline): Conflicting classifications of pathogenicity. Review status: criteria provided, conflicting classifications (1 of 4 stars). 2 submissions from 2 submitters: Likely pathogenic (1); Uncertain significance (1). Last evaluated 2024-05-29.

Conditions:
Congenital adrenal insufficiency with 46, XY sex reversal OR 46,XY disorder of sex development-adrenal insufficiency due to CYP11A1 deficiency. Also called: Congenital adrenal insuffiency with 46, XY sex reversal OR 46,XY disorder of sex development-adrenal insufficiency due to CYP11A1 deficiency; P450scc DEFICIENCY. Identifiers: Orphanet 168558, MedGen C3151055, MONDO:0013400, OMIM 613743.

Submissions (2):

Fulgent Genetics
Classification: Likely pathogenic for Congenital adrenal insufficiency with 46, XY sex reversal OR 46,XY disorder of sex development-adrenal insufficiency due to CYP11A1 deficiency. Last evaluated: 2024-05-29. Review status: criteria provided, single submitter. Criteria: ACMG Guidelines, 2015. Collection method: clinical testing. Allele origin: germline.

Women's Health and Genetics/Laboratory Corporation of America, LabCorp
Classification: Uncertain significance. Last evaluated: 2024-05-29. Review status: criteria provided, single submitter. Criteria: LabCorp Variant Classification Summary - May 2015. Collection method: clinical testing. Allele origin: germline.
Comment: Variant summary: CYP11A1 c.412G>A (p.Gly138Arg) results in a non-conservative amino acid change in the encoded protein sequence. Five of five in-silico tools predict a damaging effect of the variant on protein function. The variant was absent in 251322 control chromosomes (gnomAD). The available data on variant occurrences in the general population are insufficient to allow any conclusion about variant significance. c.412G>A has been reported in the literature in one individual affected with Congenital Adrenal Hyperplasia (Pomahaov_2016). These data do not allow any conclusion about variant significance. To our knowledge, no experimental evidence demonstrating an impact on protein function has been reported. The following publication have been ascertained in the context of this evaluation (PMID: 27008691). No submitters have cited clinical-significance assessments for this variant to ClinVar. Based on the evidence outlined above, the variant was classified as uncertain significance.

Literature cited by the submitters: PubMed 27008691 (cited by Women's Health and Genetics/Laboratory Corporation of America, LabCorp).

NM_000781.3(CYP11A1):c.412G>A (p.Gly138Arg)

Gene: CYP11A1 (cytochrome P450 family 11 subfamily A member 1; minus strand). Cytogenetic location: 15q24.1.
Variant type: single nucleotide variant.
Coding change: c.412G>A on transcript NM_000781.3 (MANE Select); coding-DNA position 412, G replaced by A.
Protein change: p.Gly138Arg; replaces glycine 138 with arginine.
Molecular consequence: missense variant. On other transcripts: 5 prime UTR variant (1).
Genome position (GRCh38, 1-based): chr15:74,347,913, C>T on the plus strand (G>A on the coding strand, the complement: CYP11A1 is on the minus strand). VCF-style: chr15-74347913-C-T. GRCh37 (hg19) VCF-style: chr15-74640254-C-T.
Other names: c.-63G>A (NM_001099773.2); short protein forms G138R.
Identifiers: ClinVar variation 3336308 (VCV003336308.2).